The following is an entry in ClinVar:

ClinVar aggregate classification (germline): Uncertain significance. Review status: criteria provided, multiple submitters, no conflicts (2 of 4 stars). 2 submissions from 2 submitters: Uncertain significance (2). Last evaluated 2023-12-27.

Allele frequency attached by ClinVar (database versions not stated): ExAC 0.00001; gnomAD 0.00001; gnomAD exomes 0.00001.
gnomAD v4.1: 5 of 1,611,870 alleles (0.00031%); highest among the groups gnomAD compares: East Asian, 0.0089%; no homozygotes.

Submissions (2):

GeneDx
Classification: Uncertain significance. Last evaluated: 2023-12-27. Review status: criteria provided, single submitter. Criteria: GeneDx Variant Classification Process June 2021. Collection method: clinical testing. Allele origin: germline. Affected: yes.
Comment: Not observed at significant frequency in large population cohorts (gnomAD); In silico analysis supports that this missense variant has a deleterious effect on protein structure/function; Has not been previously published as pathogenic or benign to our knowledge

Labcorp Genetics (formerly Invitae), Labcorp
Classification: Uncertain significance. Last evaluated: 2023-02-09. Review status: criteria provided, single submitter. Criteria: Invitae Variant Classification Sherloc (09022015). Collection method: clinical testing. Allele origin: germline.
Comment: This sequence change replaces proline, which is neutral and non-polar, with serine, which is neutral and polar, at codon 948 of the COL11A1 protein (p.Pro948Ser). This variant is present in population databases (rs781579110, gnomAD 0.003%). This variant has not been reported in the literature in individuals affected with COL11A1-related conditions. Advanced modeling of protein sequence and biophysical properties (such as structural, functional, and spatial information, amino acid conservation, physicochemical variation, residue mobility, and thermodynamic stability) performed at Invitae indicates that this missense variant is not expected to disrupt COL11A1 protein function. In summary, the available evidence is currently insufficient to determine the role of this variant in disease. Therefore, it has been classified as a Variant of Uncertain Significance.

NM_001854.4(COL11A1):c.2842C>T (p.Pro948Ser)

Gene: COL11A1 (collagen type XI alpha 1 chain; minus strand). Cytogenetic location: 1p21.1.
Variant type: single nucleotide variant.
Coding change: c.2842C>T on transcript NM_001854.4 (MANE Select); coding-DNA position 2842, C replaced by T.
Protein change: p.Pro948Ser; replaces proline 948 with serine.
Molecular consequence: missense variant. On other transcripts: non-coding transcript variant (1).
Genome position (GRCh38, 1-based): chr1:102,970,239, G>A on the plus strand (C>T on the coding strand, the complement: COL11A1 is on the minus strand). VCF-style: chr1-102970239-G-A. GRCh37 (hg19) VCF-style: chr1-103435795-G-A.
Other names: c.2842C>T (NM_001854.3); c.2494C>T, p.Pro832Ser (NM_001168249.1, NM_080630.4); c.2725C>T, p.Pro909Ser (NM_001190709.2); c.2878C>T, p.Pro960Ser (NM_080629.3); short protein forms P832S, P948S, P909S, P960S.
Identifiers: ClinVar variation 2809887 (VCV002809887.4), dbSNP rs781579110, ClinGen allele CA974253.